The following is an entry in ClinVar:

ClinVar aggregate classification (germline): Benign. Review status: criteria provided, multiple submitters, no conflicts (2 of 4 stars). 2 submissions from 2 submitters: Benign (2). Last evaluated 2018-06-14.

Allele frequency attached by ClinVar (database versions not stated): 1000 Genomes Project 0.21645; 1000 Genomes Project 30x 0.22236.
gnomAD v4.1: 29,089 of 151,974 alleles (19%); highest among the groups gnomAD compares: African/African-American, 34%; 3,620 homozygotes.

Submissions (2):

GeneDx
Classification: Benign. Last evaluated: 2018-06-14. Review status: criteria provided, single submitter. Criteria: GeneDx Variant Classification (06012015). Collection method: clinical testing. Allele origin: germline. Affected: yes.
Comment: This variant is considered likely benign or benign based on one or more of the following criteria: it is a conservative change, it occurs at a poorly conserved position in the protein, it is predicted to be benign by multiple in silico algorithms, and/or has population frequency not consistent with disease.

Breakthrough Genomics
Classification: Benign. Review status: criteria provided, single submitter. Criteria: ACMG Guidelines, 2015. Collection method: not provided. Allele origin: germline. Inheritance: Autosomal recessive inheritance. Affected: yes.

NM_000540.3(RYR1):c.11689+159T>C

Gene: RYR1 (ryanodine receptor 1; plus strand). Cytogenetic location: 19q13.2.
Variant type: single nucleotide variant.
Coding change: c.11689+159T>C on transcript NM_000540.3 (MANE Select); 159 bases into the intron after coding-DNA position 11689, T replaced by C.
Molecular consequence: intron variant.
Genome position (GRCh38, 1-based): chr19:38,538,119, T>C. VCF-style: chr19-38538119-T-C. GRCh37 (hg19) VCF-style: chr19-39028759-T-C.
Other names: c.11674+159T>C (NM_001042723.2).
Identifiers: ClinVar variation 669253 (VCV000669253.2), dbSNP rs2071091, ClinGen allele CA308087629.